The following is an entry in ClinVar:

NM_001267550.2(TTN):c.37297C>T (p.Pro12433Ser)

Gene: TTN (titin; minus strand). Cytogenetic location: 2q31.2.
Variant type: single nucleotide variant.
Coding change: c.37297C>T on transcript NM_001267550.2 (MANE Select); coding-DNA position 37297, C replaced by T.
Protein change: p.Pro12433Ser; replaces proline 12433 with serine.
Molecular consequence: missense variant. On other transcripts: intron variant (3).
Genome position (GRCh38, 1-based): chr2:178,659,244, G>A on the plus strand (C>T on the coding strand, the complement: TTN is on the minus strand). VCF-style: chr2-178659244-G-A. GRCh37 (hg19) VCF-style: chr2-179523971-G-A.
Other names: c.34366C>T, p.Pro11456Ser (NM_001256850.1); c.31585C>T, p.Pro10529Ser (NM_133378.4); c.13283-16927C>T (NM_003319.4); c.13859-16927C>T (NM_133437.4); c.13658-16927C>T (NM_133432.3); short protein forms P10529S, P12433S, P11456S.
Identifiers: ClinVar variation 4982252 (VCV004982252.1).
Genomic context (GRCh38, chr2:178,659,244, plus strand): 5'-GCACTTCAGGCTTTTTAGGAGGAGGCACTGGCACTTTCTTTTCAGGAACAACTTCTTTGG[G>A]AGCCTCAGGCACTTGAAAGATATTAGTGAAATTACATTTAGGCATTATGAAGACCACTAG-3'
Protein context (NP_001254479.2, residues 12423-12443): EVPPVKVPEA[Pro12433Ser]KEVVPEKKVP

ClinVar aggregate classification (germline): Uncertain significance (1 of 4 stars; one submission).

Conditions:
TTN-related disorder. Also called: TTN-related disorders; TTN-related condition; TTN-related disease.

Submission:

PreventionGenetics, part of Exact Sciences
Classification: Uncertain significance for TTN-related condition. Last evaluated: 2026-01-09. Review status: criteria provided, single submitter. Criteria: ACMG Guidelines, 2015. Collection method: clinical testing. Allele origin: germline.
Comment: The TTN c.37297C>T variant is predicted to result in the amino acid substitution p.Pro12433Ser. To our knowledge, this variant has not been reported in the literature or in a large population database (gnomAD), indicating this variant is rare. At this time, the clinical significance of this variant is uncertain due to the absence of conclusive functional and genetic evidence.